The following is an entry in ClinVar:

ClinVar aggregate classification (germline): Uncertain significance (1 of 4 stars; one submission).

Submission:

Labcorp Genetics (formerly Invitae), Labcorp
Classification: Uncertain significance. Last evaluated: 2025-08-15. Review status: criteria provided, single submitter. Criteria: Invitae Variant Classification Sherloc (09022015). Collection method: clinical testing. Allele origin: germline.
Comment: This sequence change replaces alanine, which is neutral and non-polar, with glutamic acid, which is acidic and polar, at codon 546 of the CYLD protein (p.Ala546Glu). This variant is not present in population databases (gnomAD no frequency). This variant has not been reported in the literature in individuals affected with CYLD-related conditions. Invitae Evidence Modeling of protein sequence and biophysical properties (such as structural, functional, and spatial information, amino acid conservation, physicochemical variation, residue mobility, and thermodynamic stability) indicates that this missense variant is not expected to disrupt CYLD protein function with a negative predictive value of 80%. In summary, the available evidence is currently insufficient to determine the role of this variant in disease. Therefore, it has been classified as a Variant of Uncertain Significance.

NM_001378743.1(CYLD):c.1637C>A (p.Ala546Glu)

Gene: CYLD (CYLD lysine 63 deubiquitinase; plus strand). Cytogenetic location: 16q12.1.
Variant type: single nucleotide variant.
Coding change: c.1637C>A on transcript NM_001378743.1 (MANE Select); coding-DNA position 1637, C replaced by A.
Protein change: p.Ala546Glu; replaces alanine 546 with glutamic acid.
Molecular consequence: missense variant.
Genome position (GRCh38, 1-based): chr16:50,781,364, C>A. VCF-style: chr16-50781364-C-A. GRCh37 (hg19) VCF-style: chr16-50815275-C-A.
Other names: c.1628C>A, p.Ala543Glu (NM_001042355.2, NM_001042412.3, NM_001378744.1 and 6 more transcripts); c.1598C>A, p.Ala533Glu (NM_001378751.1, NM_001378752.1, NM_001378753.1); c.962C>A, p.Ala321Glu (NM_001378754.1, NM_001378755.1); c.1637C>A, p.Ala546Glu (NM_015247.3); short protein forms A533E, A321E, A543E, A546E.
Identifiers: ClinVar variation 4741156 (VCV004741156.1).